The following is an entry in ClinVar:

ClinVar aggregate classification (germline): Uncertain significance. Review status: criteria provided, multiple submitters, no conflicts (2 of 4 stars). 2 submissions from 2 submitters: Uncertain significance (2). Last evaluated 2025-05-21.

Conditions:
Hereditary cancer-predisposing syndrome. Also called: Hereditary neoplastic syndrome; Tumor predisposition; Neoplastic Syndromes, Hereditary; Hereditary Cancer Syndrome. Identifiers: Orphanet 140162, MedGen C0027672, MeSH D009386, MONDO:0015356.
DICER1-related tumor predisposition. Also called: DICER1-related pleuropulmonary blastoma cancer predisposition syndrome; DICER1 syndrome. Identifiers: Orphanet 284343, MedGen C3839822, MONDO:0100216.

Allele frequency attached by ClinVar (database versions not stated): gnomAD exomes below 0.00001.
gnomAD v4.1: 1 of 1,605,686 alleles (0.000062%); highest among the groups gnomAD compares: Non-Finnish European, 0.000085%; no homozygotes.

Submissions (2):

Labcorp Genetics (formerly Invitae), Labcorp
Classification: Uncertain significance for DICER1-related tumor predisposition. Last evaluated: 2025-05-21. Review status: criteria provided, single submitter. Criteria: Invitae Variant Classification Sherloc (09022015). Collection method: clinical testing. Allele origin: germline.
Comment: This sequence change replaces tyrosine, which is neutral and polar, with cysteine, which is neutral and slightly polar, at codon 267 of the DICER1 protein (p.Tyr267Cys). This variant is not present in population databases (gnomAD no frequency). This variant has not been reported in the literature in individuals affected with DICER1-related conditions. ClinVar contains an entry for this variant (Variation ID: 1477726). Invitae Evidence Modeling of protein sequence and biophysical properties (such as structural, functional, and spatial information, amino acid conservation, physicochemical variation, residue mobility, and thermodynamic stability) indicates that this missense variant is not expected to disrupt DICER1 protein function with a negative predictive value of 95%. In summary, the available evidence is currently insufficient to determine the role of this variant in disease. Therefore, it has been classified as a Variant of Uncertain Significance.

Ambry Genetics
Classification: Uncertain significance for Hereditary cancer-predisposing syndrome. Last evaluated: 2024-11-05. Review status: criteria provided, single submitter. Criteria: Ambry Variant Classification Scheme 2023. Collection method: clinical testing. Allele origin: germline.
Comment: The p.Y267C variant (also known as c.800A>G), located in coding exon 6 of the DICER1 gene, results from an A to G substitution at nucleotide position 800. The tyrosine at codon 267 is replaced by cysteine, an amino acid with highly dissimilar properties. This amino acid position is well conserved in available vertebrate species. In addition, the in silico prediction for this alteration is inconclusive. Since supporting evidence is limited at this time, the clinical significance of this alteration remains unclear.

NM_177438.3(DICER1):c.800A>G (p.Tyr267Cys)

Gene: DICER1 (dicer 1, ribonuclease III; minus strand). Cytogenetic location: 14q32.13.
Variant type: single nucleotide variant.
Coding change: c.800A>G on transcript NM_177438.3 (MANE Select); coding-DNA position 800, A replaced by G.
Protein change: p.Tyr267Cys; replaces tyrosine 267 with cysteine.
Molecular consequence: missense variant.
Genome position (GRCh38, 1-based): chr14:95,126,683, T>C on the plus strand (A>G on the coding strand, the complement: DICER1 is on the minus strand). VCF-style: chr14-95126683-T-C. GRCh37 (hg19) VCF-style: chr14-95593020-T-C.
Other names: c.800A>G, p.Tyr267Cys (NM_001195573.1, NM_001271282.3, NM_001291628.2 and 1 more transcripts); short protein forms Y267C.
Identifiers: ClinVar variation 1477726 (VCV001477726.10), dbSNP rs2140233677, ClinGen allele CA390887720.